The following is an entry in ClinVar:

NM_032119.4(ADGRV1):c.6563A>G (p.Tyr2188Cys)

Gene: ADGRV1 (adhesion G protein-coupled receptor V1; plus strand). Cytogenetic location: 5q14.3.
Variant type: single nucleotide variant.
Coding change: c.6563A>G on transcript NM_032119.4 (MANE Select); coding-DNA position 6563, A replaced by G.
Protein change: p.Tyr2188Cys; replaces tyrosine 2188 with cysteine.
Molecular consequence: missense variant. On other transcripts: non-coding transcript variant (1).
Genome position (GRCh38, 1-based): chr5:90,689,933, A>G. VCF-style: chr5-90689933-A-G. GRCh37 (hg19) VCF-style: chr5-89985750-A-G.
Other names: short protein forms Y2188C.
Identifiers: ClinVar variation 2012168 (VCV002012168.4), dbSNP rs767849515, ClinGen allele CA3339828.

ClinVar aggregate classification (germline): Uncertain significance (1 of 4 stars; one submission).

Allele frequency attached by ClinVar (database versions not stated): gnomAD exomes below 0.00001; ExAC 0.00001.
gnomAD v4.1: 6 of 1,613,092 alleles (0.00037%); highest among the groups gnomAD compares: Admixed American, 0.0017%; no homozygotes.

Submission:

Labcorp Genetics (formerly Invitae), Labcorp
Classification: Uncertain significance. Last evaluated: 2022-06-29. Review status: criteria provided, single submitter. Criteria: Invitae Variant Classification Sherloc (09022015). Collection method: clinical testing. Allele origin: germline.
Comment: This variant has not been reported in the literature in individuals affected with ADGRV1-related conditions. This sequence change replaces tyrosine, which is neutral and polar, with cysteine, which is neutral and slightly polar, at codon 2188 of the ADGRV1 protein (p.Tyr2188Cys). This variant is present in population databases (rs767849515, gnomAD 0.0009%). Algorithms developed to predict the effect of missense changes on protein structure and function are either unavailable or do not agree on the potential impact of this missense change (SIFT: "Deleterious"; PolyPhen-2: "Probably Damaging"; Align-GVGD: "Class C0"). In summary, the available evidence is currently insufficient to determine the role of this variant in disease. Therefore, it has been classified as a Variant of Uncertain Significance.